The following is an entry in ClinVar:

ClinVar aggregate classification (germline): Uncertain significance (1 of 4 stars; one submission).

Allele frequency attached by ClinVar (database versions not stated): ExAC 0.00001; gnomAD 0.00001; gnomAD exomes 0.00002.
gnomAD v4.1: 13 of 1,613,840 alleles (0.00081%); no homozygotes.

Submission:

Labcorp Genetics (formerly Invitae), Labcorp
Classification: Uncertain significance. Last evaluated: 2022-05-29. Review status: criteria provided, single submitter. Criteria: Invitae Variant Classification Sherloc (09022015). Collection method: clinical testing. Allele origin: germline.
Comment: In summary, the available evidence is currently insufficient to determine the role of this variant in disease. Therefore, it has been classified as a Variant of Uncertain Significance. Algorithms developed to predict the effect of missense changes on protein structure and function output the following: SIFT: "Tolerated"; PolyPhen-2: "Benign"; Align-GVGD: "Class C0". The valine amino acid residue is found in multiple mammalian species, which suggests that this missense change does not adversely affect protein function. This variant has not been reported in the literature in individuals affected with DSG1-related conditions. This variant is present in population databases (rs775732796, gnomAD 0.004%). This sequence change replaces isoleucine, which is neutral and non-polar, with valine, which is neutral and non-polar, at codon 39 of the DSG1 protein (p.Ile39Val).

NM_001942.4(DSG1):c.115A>G (p.Ile39Val)

Gene: DSG1 (desmoglein 1; plus strand). Cytogenetic location: 18q12.1.
Variant type: single nucleotide variant.
Coding change: c.115A>G on transcript NM_001942.4 (MANE Select); coding-DNA position 115, A replaced by G.
Protein change: p.Ile39Val; replaces isoleucine 39 with valine.
Molecular consequence: missense variant.
Genome position (GRCh38, 1-based): chr18:31,326,904, A>G. VCF-style: chr18-31326904-A-G. GRCh37 (hg19) VCF-style: chr18-28906867-A-G.
Other names: short protein forms I39V.
Identifiers: ClinVar variation 2000458 (VCV002000458.4), dbSNP rs775732796, ClinGen allele CA8925765.